The following is an entry in ClinVar:

NM_001267550.2(TTN):c.34970G>A (p.Arg11657His)

Gene: TTN (titin; minus strand). Cytogenetic location: 2q31.2.
Variant type: single nucleotide variant.
Coding change: c.34970G>A on transcript NM_001267550.2 (MANE Select); coding-DNA position 34970, G replaced by A.
Protein change: p.Arg11657His; replaces arginine 11657 with histidine.
Molecular consequence: missense variant. On other transcripts: intron variant (3).
Genome position (GRCh38, 1-based): chr2:178,672,228, C>T on the plus strand (G>A on the coding strand, the complement: TTN is on the minus strand). VCF-style: chr2-178672228-C-T. GRCh37 (hg19) VCF-style: chr2-179536955-C-T.
Other names: p.R10356H:CGC>CAC; c.33848G>A, p.Arg11283His (NM_001256850.1); c.31067G>A, p.Arg10356His (NM_133378.4); c.13283-29911G>A (NM_003319.4); c.13859-29911G>A (NM_133437.4); c.13658-29911G>A (NM_133432.3); short protein forms R11657H, R10356H, R11283H.
Identifiers: ClinVar variation 46911 (VCV000046911.48), dbSNP rs59887778, ClinGen allele CA283172.

ClinVar aggregate classification (germline): Benign/Likely benign. Review status: criteria provided, multiple submitters, no conflicts (2 of 4 stars). 27 submissions from 20 submitters: Benign (18); Likely benign (5). 4 of the submissions do not count toward it. Last evaluated 2026-02-04.

Conditions:
Cardiovascular phenotype. Identifiers: MedGen CN230736.
Dilated cardiomyopathy 1G (CMD1G). Identifiers: Orphanet 154, MedGen C1858763, MONDO:0011400, OMIM 604145.
Autosomal recessive limb-girdle muscular dystrophy type 2J (LGMDR10). Also called: MUSCULAR DYSTROPHY, LIMB-GIRDLE, AUTOSOMAL RECESSIVE 10; Limb-girdle muscular dystrophy, type 2J. Identifiers: Orphanet 140922, MedGen C1837342, MONDO:0012127, OMIM 608807.
Arrhythmogenic right ventricular cardiomyopathy (ARVD). Also called: Arrhythmogenic cardiomyopathy; Arrhythmogenic Right Ventricular Cardiomyopathy (ARVC); Cardiomyopathy, ARVC; Arrhythmogenic right ventricular dysplasia. Identifiers: Orphanet 247, MedGen C0349788, MeSH D019571, MONDO:0016587. Disease mechanism: loss of function. Inheritance: Various modes of inheritance.
Cardiomyopathy (CMYO). Also called: Cardiomyopathies. Identifiers: Orphanet 167848, MedGen C0878544, MONDO:0004994, HP:0001638. Inheritance: Various modes of inheritance.
Early-onset myopathy with fatal cardiomyopathy (CMYO5). Also called: CONGENITAL MYOPATHY 5 WITH CARDIOMYOPATHY; Salih Myopathy. Identifiers: Orphanet 289377, MedGen C2673677, MONDO:0012714, OMIM 611705. Disease mechanism: loss of function.
Myopathy, myofibrillar, 9, with early respiratory failure (MFM9). Also called: Myopathy, distal, with early respiratory failure, autosomal dominant; Hereditary myopathy with early respiratory failure; MYOPATHY, PROXIMAL, WITH EARLY RESPIRATORY MUSCLE INVOLVEMENT; EDSTROM MYOPATHY. Identifiers: Orphanet 178464, Orphanet 34521, MedGen C1863599, MONDO:0011362, OMIM 603689.
Tibial muscular dystrophy (TMD). Also called: Udd Distal Myopathy – Tibial Muscular Dystrophy; Tibial muscular dystrophy, tardive; UDD MYOPATHY. Identifiers: Orphanet 609, MedGen C1838244, MONDO:0010870, OMIM 600334.

Allele frequency attached by ClinVar (database versions not stated): gnomAD 0.00711 and 0.00758; TOPMed 0.00782; gnomAD exomes 0.00175 and 0.00062; ExAC 0.00306; ESP Exome Variant Server 0.00720; 1000 Genomes Project 0.00899; 1000 Genomes Project 30x 0.01062.
gnomAD v4.1: 2,031 of 1,566,538 alleles (0.13%); highest among the groups gnomAD compares: African/African-American, 2.4%; 28 homozygotes.

Submissions 1 to 17 of 27:

Labcorp Genetics (formerly Invitae), Labcorp
Classification: Benign for Dilated cardiomyopathy 1G; Autosomal recessive limb-girdle muscular dystrophy type 2J. Last evaluated: 2026-02-04. Review status: criteria provided, single submitter. Criteria: Invitae Variant Classification Sherloc (09022015). Collection method: clinical testing. Allele origin: germline.

ARUP Laboratories, Molecular Genetics and Genomics, ARUP Laboratories
Classification: Benign. Last evaluated: 2025-07-08. Review status: criteria provided, single submitter. Criteria: ARUP Molecular Germline Variant Investigation Process 2024. Collection method: clinical testing. Allele origin: germline.

Molecular Diagnostic Laboratory for Inherited Cardiovascular Disease, Montreal Heart Institute
Classification: Benign. Last evaluated: 2025-04-09. Review status: criteria provided, single submitter. Criteria: ACMG Guidelines, 2015. Collection method: clinical testing. Allele origin: germline. Affected: no.

Mayo Clinic Laboratories, Mayo Clinic
Classification: Benign. Last evaluated: 2025-03-05. Review status: criteria provided, single submitter. Criteria: ACMG Guidelines, 2015. Collection method: clinical testing. Allele origin: germline. Observed: 16 variant alleles.

Blueprint Genetics
Classification: Likely benign. Last evaluated: 2024-11-14. Review status: criteria provided, single submitter. Criteria: ACMG Guidelines, 2015. Collection method: clinical testing. Allele origin: germline.

Genome-Nilou Lab
Classification: Benign for Autosomal recessive limb-girdle muscular dystrophy type 2J. Last evaluated: 2021-09-10. Review status: criteria provided, single submitter. Criteria: ACMG Guidelines, 2015. Collection method: clinical testing. Allele origin: germline. Affected: no.

Genome-Nilou Lab
Classification: Benign for Myopathy, myofibrillar, 9, with early respiratory failure. Last evaluated: 2021-09-10. Review status: criteria provided, single submitter. Criteria: ACMG Guidelines, 2015. Collection method: clinical testing. Allele origin: germline. Affected: no.

Genome-Nilou Lab
Classification: Benign for Early-onset myopathy with fatal cardiomyopathy. Last evaluated: 2021-09-10. Review status: criteria provided, single submitter. Criteria: ACMG Guidelines, 2015. Collection method: clinical testing. Allele origin: germline. Affected: no.

Genome-Nilou Lab
Classification: Benign for Tibial muscular dystrophy. Last evaluated: 2021-09-10. Review status: criteria provided, single submitter. Criteria: ACMG Guidelines, 2015. Collection method: clinical testing. Allele origin: germline. Affected: no.

Women's Health and Genetics/Laboratory Corporation of America, LabCorp
Classification: Benign. Last evaluated: 2019-11-06. Review status: criteria provided, single submitter. Criteria: LabCorp Variant Classification Summary - May 2015. Collection method: clinical testing. Allele origin: germline.
Comment: Variant summary: TTN c.31067G>A (p.Arg10356His) results in a non-conservative amino acid change located in the I-band of the encoded protein sequence. Four of five in-silico tools predict a benign effect of the variant on protein function. The variant allele was found at a frequency of 0.0017 in 179188 control chromosomes, predominantly at a frequency of 0.027 within the African or African-American subpopulation in the gnomAD database, including 3 homozygotes. The observed variant frequency within African or African-American control individuals in the gnomAD database is approximately 43-folds over the estimated maximal expected allele frequency for a pathogenic variant in TTN causing Cardiomyopathy phenotype (0.00063), strongly suggesting that the variant is a benign polymorphism found primarily in populations of African or African-American origin. To our knowledge, no occurrence of c.31067G>A in individuals affected with Cardiomyopathy and no experimental evidence demonstrating its impact on protein function have been reported. A co-occurrence with another pathogenic variant has been reported (TTR c.424G>A, p.V142I). Four ClinVar submissions (evaluation after 2014) cite the variant three times as benign and once as likely benign. Based on the evidence outlined above, the variant was classified as benign.

Illumina Laboratory Services, Illumina
Classification: Likely benign for Dilated cardiomyopathy 1G. Last evaluated: 2018-01-12. Review status: criteria provided, single submitter. Criteria: ICSL Variant Classification Criteria 13 December 2019. Collection method: clinical testing. Allele origin: germline.
Comment: This variant was observed in the ICSL laboratory as part of a predisposition screen in an ostensibly healthy population. It had not been previously curated by ICSL or reported in the Human Gene Mutation Database (HGMD: prior to June 1st, 2018), and was therefore a candidate for classification through an automated scoring system. Utilizing variant allele frequency, disease prevalence and penetrance estimates, and inheritance mode, an automated score was calculated to assess if this variant is too frequent to cause the disease. Based on the score and internal cut-off values, a variant classified as likely benign is not then subjected to further curation. The score for this variant resulted in a classification of likely benign for this disease.

Illumina Laboratory Services, Illumina
Classification: Benign for Tibial muscular dystrophy. Last evaluated: 2018-01-12. Review status: criteria provided, single submitter. Criteria: ICSL Variant Classification Criteria 13 December 2019. Collection method: clinical testing. Allele origin: germline.
Comment: This variant was observed in the ICSL laboratory as part of a predisposition screen in an ostensibly healthy population. It had not been previously curated by ICSL or reported in the Human Gene Mutation Database (HGMD: prior to June 1st, 2018), and was therefore a candidate for classification through an automated scoring system. Utilizing variant allele frequency, disease prevalence and penetrance estimates, and inheritance mode, an automated score was calculated to assess if this variant is too frequent to cause the disease. Based on the score and internal cut-off values, a variant classified as benign is not then subjected to further curation. The score for this variant resulted in a classification of benign for this disease.

Illumina Laboratory Services, Illumina
Classification: Likely benign for Early-onset myopathy with fatal cardiomyopathy. Last evaluated: 2018-01-12. Review status: criteria provided, single submitter. Criteria: ICSL Variant Classification Criteria 13 December 2019. Collection method: clinical testing. Allele origin: germline.
Comment: the same text as in the submission from Illumina Laboratory Services, Illumina above.

Illumina Laboratory Services, Illumina
Classification: Likely benign for Autosomal recessive limb-girdle muscular dystrophy type 2J. Last evaluated: 2018-01-12. Review status: criteria provided, single submitter. Criteria: ICSL Variant Classification Criteria 13 December 2019. Collection method: clinical testing. Allele origin: germline.
Comment: the same text as in the submission from Illumina Laboratory Services, Illumina above.

Illumina Laboratory Services, Illumina
Classification: Benign for Myopathy, myofibrillar, 9, with early respiratory failure. Last evaluated: 2018-01-12. Review status: criteria provided, single submitter. Criteria: ICSL Variant Classification Criteria 13 December 2019. Collection method: clinical testing. Allele origin: germline.
Comment: the same text as in the submission from Illumina Laboratory Services, Illumina above.

Center for Advanced Laboratory Medicine, UC San Diego Health, University of California San Diego
Classification: Benign for Arrhythmogenic right ventricular cardiomyopathy. Last evaluated: 2018-01-03. Review status: criteria provided, single submitter. Criteria: ACMG Guidelines, 2015. Collection method: clinical testing. Allele origin: germline. Affected: yes. Observed: 1 variant allele.

CHEO Genetics Diagnostic Laboratory, Children's Hospital of Eastern Ontario
Classification: Benign for Cardiomyopathy. Last evaluated: 2016-11-09. Review status: criteria provided, single submitter. Criteria: ACMG Guidelines, 2015. Collection method: clinical testing. Allele origin: germline. Study: Canadian Open Genetics Repository.